The following is an entry in ClinVar:

NM_000533.5(PLP1):c.4+74G>T

Genes: RAB9B (RAB9B, member RAS oncogene family; minus strand), PLP1 (proteolipid protein 1; plus strand). Cytogenetic location: Xq22.2.
Variant type: single nucleotide variant.
Coding change: c.4+74G>T on transcript NM_000533.5 (MANE Select); 74 bases into the intron after coding-DNA position 4, G replaced by T.
Molecular consequence: intron variant.
Genome position (GRCh38, 1-based): chrX:103,777,073, G>T. VCF-style: chrX-103777073-G-T. GRCh37 (hg19) VCF-style: chrX-103032001-G-T.
Other names: c.4+74G>T (NM_001128834.3, NM_199478.3, NM_001305004.1).
Identifiers: ClinVar variation 3055419 (VCV003055419.2), dbSNP rs2522269504, ClinGen allele CA1135960035.

ClinVar aggregate classification (germline): Likely benign (0 of 4 stars; one submission).

Conditions:
PLP1-related disorder. Also called: PLP1-Related Disorders; PLP1-related condition. Identifiers: MedGen CN378767.

Allele frequency attached by ClinVar (database versions not stated): gnomAD 0.00001.
gnomAD v4.1: 14 of 879,755 alleles (0.0016%); highest among the groups gnomAD compares: Non-Finnish European, 0.0023%; no homozygotes.

Submission:

PreventionGenetics, part of Exact Sciences
Classification: Likely benign for PLP1-related condition. Last evaluated: 2022-07-07. Review status: no assertion criteria provided. Collection method: clinical testing. Allele origin: germline.
Comment: This variant is classified as likely benign based on ACMG/AMP sequence variant interpretation guidelines (Richards et al. 2015 PMID: 25741868, with internal and published modifications).